The following is an entry in ClinVar:

NM_004304.5(ALK):c.3068-504C>T

Gene: ALK (ALK receptor tyrosine kinase; minus strand). Cytogenetic location: 2p23.2.
Variant type: single nucleotide variant.
Coding change: c.3068-504C>T on transcript NM_004304.5 (MANE Select); 504 bases into the intron before coding-DNA position 3068, C replaced by T.
Molecular consequence: intron variant.
Genome position (GRCh38, 1-based): chr2:29,226,069, G>A on the plus strand (C>T on the coding strand, the complement: ALK is on the minus strand). VCF-style: chr2-29226069-G-A. GRCh37 (hg19) VCF-style: chr2-29448935-G-A.
Identifiers: ClinVar variation 2650798 (VCV002650798.24), dbSNP rs113351259, ClinGen allele CA44633700.
Genomic context (GRCh38, chr2:29,226,069, plus strand): 5'-GGCCAGACCACACGGAGGTATCGTGCTTGGTACTGGACACTACATTTCAAAAGGGACATC[G>A]ATAGTGGAACACATGCAGAAGAGGGACACTGGTGGGGCGGGGGAAGAGACACAAAACTGC-3'

ClinVar aggregate classification (germline): Benign (1 of 4 stars; one submission).

Allele frequency attached by ClinVar (database versions not stated): 1000 Genomes Project 0.00120; 1000 Genomes Project 30x 0.00203; TOPMed 0.00318; gnomAD 0.00503.
gnomAD v4.1: 761 of 152,202 alleles (0.5%); highest among the groups gnomAD compares: Middle Eastern, 0.68%; 3 homozygotes.

Submission:

CeGaT Center for Human Genetics Tuebingen
Classification: Benign. Last evaluated: 2022-09-01. Review status: criteria provided, single submitter. Criteria: CeGaT Center For Human Genetics Tuebingen Variant Classification Criteria Version 2. Collection method: clinical testing. Allele origin: germline. Affected: yes. Observed: 1 variant allele.
Comment: ALK: BS1, BS2